The following is an entry in ClinVar:

NM_000535.7(PMS2):c.1556_1559delinsGTGT (p.Tyr519_Ala520delinsCysVal)

Gene: PMS2 (PMS1 homolog 2, mismatch repair system component; minus strand). Cytogenetic location: 7p22.1.
Variant type: Indel.
Coding change: c.1556_1559delinsGTGT on transcript NM_000535.7 (MANE Select); coding-DNA positions 1556 to 1559, ATGC replaced by GTGT.
Protein change: p.Tyr519_Ala520delinsCysVal.
Molecular consequence: missense variant. On other transcripts: non-coding transcript variant (1).
Genome position (GRCh38, 1-based): chr7:5,987,206-5,987,209, GCAT replaced by ACAC on the plus strand (ATGC replaced by GTGT on the coding strand, the reverse complement: PMS2 is on the minus strand). VCF-style: chr7-5987206-GCAT-ACAC. GRCh37 (hg19) VCF-style: chr7-6026837-GCAT-ACAC.
Other names: c.1556_1559delinsGTGT (NM_000535.6); c.1556_1559delATGCinsGTGT (NM_000535.5); c.1151_1154delinsGTGT, p.Tyr384_Ala385delinsCysVal (NM_001322003.2, NM_001322004.2, NM_001322005.2 and 1 more transcripts); c.1400_1403delinsGTGT, p.Tyr467_Ala468delinsCysVal (NM_001322006.2); c.1238_1241delinsGTGT, p.Tyr413_Ala414delinsCysVal (NM_001322007.2, NM_001322008.2); c.995_998delinsGTGT, p.Tyr332_Ala333delinsCysVal (NM_001322010.2); c.623_626delinsGTGT, p.Tyr208_Ala209delinsCysVal (NM_001322011.2, NM_001322012.2); c.983_986delinsGTGT, p.Tyr328_Ala329delinsCysVal (NM_001322013.2); and 2 more.
Identifiers: ClinVar variation 2682043 (VCV002682043.6), dbSNP rs2535771842, ClinGen allele CA2697553876.

ClinVar aggregate classification (germline): Uncertain significance. Review status: criteria provided, multiple submitters, no conflicts (2 of 4 stars). 4 submissions from 4 submitters: Uncertain significance (4). Last evaluated 2025-09-16.

Conditions:
Hereditary cancer-predisposing syndrome. Also called: Neoplastic Syndromes, Hereditary; Tumor predisposition; Hereditary neoplastic syndrome; Hereditary Cancer Syndrome. Identifiers: Orphanet 140162, MedGen C0027672, MeSH D009386, MONDO:0015356.
Mismatch repair cancer syndrome 4. Identifiers: MedGen C5436817, MONDO:0030843, OMIM 619101.
Lynch syndrome 4 (LYNCH4). Also called: Colorectal cancer, hereditary nonpolyposis, type 4; Hereditary non-polyposis colorectal cancer, type 4. Identifiers: Orphanet 144, MedGen C1838333, MONDO:0013699, OMIM 614337. Disease mechanism: loss of function.

Submissions (4):

Dasa
Classification: Uncertain significance. Last evaluated: 2025-09-16. Review status: criteria provided, single submitter. Criteria: DASA Assertion Criteria. Collection method: clinical testing. Allele origin: germline.
Comment: NM_000535.7(PMS2):c.1556_1559delinsGTGT (p.Tyr519_Ala520delinsCysVal) is an in-frame insertion/deletion-insertion predicted to alter the protein sequence without shifting the reading frame. This variant is absent from population databases. The currently available literature and clinical evidence are not sufficient to establish a definitive association between this variant and the reported condition. Therefore, this variant is classified as a variant of uncertain significance.

Quest Diagnostics Nichols Institute San Juan Capistrano
Classification: Uncertain significance. Last evaluated: 2025-02-20. Review status: criteria provided, single submitter. Criteria: Quest Diagnostics criteria. Collection method: clinical testing. Allele origin: unknown.
Comment: There is limited information available for this complex allele, when these two PMS2 variants, c.1556A>G (p.Tyr519Cys) and c.1559C>T (p.Ala520Val), occur on the same chromosome (in cis). In one family study, the variant PMS2 protein was observed to localize correctly within the cells and was able to produce complexes with MLH1 (PMID: 31433215 (2019)), however further research is necessary. This same study also reported that these variants did not segregate with colorectal cancer in the family and were found in an individual who also carried a deleterious variant in the MLH1 gene (PMID: 31433215 (2019)). While the phase is unclear in two other studies, both of these variants were identified in individuals affected with a Lynch syndrome associated cancer and/or polyps who also carried deleterious variants in mismatch repair genes, suggesting this PMS2 complex allele may not be the primary cause of disease (PMIDs: 25980754 (2015), 26232782 (2015)). Based on the available information, we are unable to determine the clinical significance of this complex allele.

Ambry Genetics
Classification: Uncertain significance for Hereditary cancer-predisposing syndrome. Last evaluated: 2024-07-23. Review status: criteria provided, single submitter. Criteria: Ambry Variant Classification Scheme 2023. Collection method: clinical testing. Allele origin: germline.
Comment: The c.1556_1559delATGCinsGTGT variant (also known as p.Y519_A520delinsCV), located in coding exon 11 of the PMS2 gene, results from an in-frame deletion of ATGC and insertion of GTGT at nucleotide positions 1556 to 1559. This results in the substitution of the tyrosine and alanine residues for a cysteine and valine residue at codon 519 and 520. This amino acid region is not well conserved in available vertebrate species. In addition, this alteration is predicted to be neutral by in silico analysis (Choi Y et al. PLoS ONE. 2012; 7(10):e46688). Based on the available evidence, the clinical significance of this variant remains unclear.

Fulgent Genetics
Classification: Uncertain significance for Lynch syndrome 4; Mismatch repair cancer syndrome 4. Last evaluated: 2024-04-30. Review status: criteria provided, single submitter. Criteria: ACMG Guidelines, 2015. Collection method: clinical testing. Allele origin: germline.

Literature cited by the submitters: PubMed 25980754 (cited by Quest Diagnostics Nichols Institute San Juan Capistrano); PubMed 26232782 (cited by Quest Diagnostics Nichols Institute San Juan Capistrano); PubMed 31433215 (cited by Quest Diagnostics Nichols Institute San Juan Capistrano); PubMed 27601186 (cited by Quest Diagnostics Nichols Institute San Juan Capistrano).